The following is an entry in ClinVar:

NM_001205293.3(CACNA1E):c.231T>G (p.Ile77Met)

Gene: CACNA1E (calcium voltage-gated channel subunit alpha1 E; plus strand). Cytogenetic location: 1q25.3.
Variant type: single nucleotide variant.
Coding change: c.231T>G on transcript NM_001205293.3 (MANE Select); coding-DNA position 231, T replaced by G.
Protein change: p.Ile77Met; replaces isoleucine 77 with methionine.
Molecular consequence: missense variant.
Genome position (GRCh38, 1-based): chr1:181,483,975, T>G. VCF-style: chr1-181483975-T-G. GRCh37 (hg19) VCF-style: chr1-181453111-T-G.
Other names: c.231T>G, p.Ile77Met (NM_000721.4, NM_001205294.2); short protein forms I77M.
Identifiers: ClinVar variation 2439661 (VCV002439661.6), dbSNP rs1663547680, ClinGen allele CA343844622.

ClinVar aggregate classification (germline): Uncertain significance. Review status: criteria provided, multiple submitters, no conflicts (2 of 4 stars). 2 submissions from 2 submitters: Uncertain significance (2). Last evaluated 2023-07-13.

Conditions:
Developmental and epileptic encephalopathy, 69. Also called: EPILEPTIC ENCEPHALOPATHY, EARLY INFANTILE, 69. Identifiers: MedGen C4748988, MONDO:0032657, OMIM 618285.

Submissions (2):

Labcorp Genetics (formerly Invitae), Labcorp
Classification: Uncertain significance. Last evaluated: 2023-07-13. Review status: criteria provided, single submitter. Criteria: Invitae Variant Classification Sherloc (09022015). Collection method: clinical testing. Allele origin: germline.
Comment: This variant has not been reported in the literature in individuals affected with CACNA1E-related conditions. This variant is not present in population databases (gnomAD no frequency). This sequence change replaces isoleucine, which is neutral and non-polar, with methionine, which is neutral and non-polar, at codon 77 of the CACNA1E protein (p.Ile77Met). ClinVar contains an entry for this variant (Variation ID: 2439661). In summary, the available evidence is currently insufficient to determine the role of this variant in disease. Therefore, it has been classified as a Variant of Uncertain Significance. Algorithms developed to predict the effect of sequence changes on RNA splicing suggest that this variant may create or strengthen a splice site. Advanced modeling of protein sequence and biophysical properties (such as structural, functional, and spatial information, amino acid conservation, physicochemical variation, residue mobility, and thermodynamic stability) has been performed at Invitae for this missense variant, however the output from this modeling did not meet the statistical confidence thresholds required to predict the impact of this variant on CACNA1E protein function.

Revvity Omics, Revvity
Classification: Uncertain significance for Developmental and epileptic encephalopathy, 69. Last evaluated: 2022-01-10. Review status: criteria provided, single submitter. Criteria: ACMG Guidelines, 2015. Collection method: clinical testing. Allele origin: germline.